The following is an entry in ClinVar:

ClinVar aggregate classification (germline): Uncertain significance (1 of 4 stars; one submission).

Conditions:
Familial hemophagocytic lymphohistiocytosis 5. Also called: STXBP2-Related Familial Hemophagocytic Lymphohistiocytosis (STXBP2-fHLH). Identifiers: Orphanet 540, MedGen C2751293, MONDO:0013135, OMIM 613101.

gnomAD v4.1: 2 of 1,613,838 alleles (0.00012%); highest among the groups gnomAD compares: Non-Finnish European, 0.000085%; no homozygotes.

Submission:

Labcorp Genetics (formerly Invitae), Labcorp
Classification: Uncertain significance for Familial hemophagocytic lymphohistiocytosis 5. Last evaluated: 2021-05-26. Review status: criteria provided, single submitter. Criteria: Invitae Variant Classification Sherloc (09022015). Collection method: clinical testing. Allele origin: germline.
Comment: This sequence change falls in intron 4 of the STXBP2 gene. It does not directly change the encoded amino acid sequence of the STXBP2 protein. It affects a nucleotide within the consensus splice site of the intron. This variant is not present in population databases (ExAC no frequency). This variant has not been reported in the literature in individuals with STXBP2-related conditions. Nucleotide substitutions within the consensus splice site are a relatively common cause of aberrant splicing (PMID: 17576681, 9536098). Algorithms developed to predict the effect of sequence changes on RNA splicing suggest that this variant is not likely to affect RNA splicing, but this prediction has not been confirmed by published transcriptional studies. In summary, the available evidence is currently insufficient to determine the role of this variant in disease. Therefore, it has been classified as a Variant of Uncertain Significance.

Literature cited by the submitters: PubMed 17576681; PubMed 9536098.

NM_006949.4(STXBP2):c.246+5C>T

Gene: STXBP2 (syntaxin binding protein 2; plus strand). Cytogenetic location: 19p13.2.
Variant type: single nucleotide variant.
Coding change: c.246+5C>T on transcript NM_006949.4 (MANE Select); 5 bases into the intron after coding-DNA position 246, C replaced by T.
Molecular consequence: intron variant.
Genome position (GRCh38, 1-based): chr19:7,639,812, C>T. VCF-style: chr19-7639812-C-T. GRCh37 (hg19) VCF-style: chr19-7704698-C-T.
Other names: c.246+5C>T (NM_001272034.2, NM_001127396.3).
Identifiers: ClinVar variation 1356521 (VCV001356521.3), dbSNP rs369629603, ClinGen allele CA631326343.
Genomic context (GRCh38, chr19:7,639,812, plus strand): 5'-GGCGGGAACCCATTCCCAGTCTGGAGGCCATTTATTTGCTGAGCCCCACGGAGAAGGTGC[C>T]TACATGAGTGAGCGTGTGTGTATGCGCGTGCATGCGTGTACATGTGCATGTGTGTGTATG-3'